The following is an entry in ClinVar:

NM_004484.4(GPC3):c.97G>T (p.Ala33Ser)

Gene: GPC3 (glypican 3; minus strand). Cytogenetic location: Xq26.2.
Variant type: single nucleotide variant.
Coding change: c.97G>T on transcript NM_004484.4 (MANE Select); coding-DNA position 97, G replaced by T.
Protein change: p.Ala33Ser; replaces alanine 33 with serine.
Molecular consequence: missense variant.
Genome position (GRCh38, 1-based): chrX:133,985,353, C>A on the plus strand (G>T on the coding strand, the complement: GPC3 is on the minus strand). VCF-style: chrX-133985353-C-A. GRCh37 (hg19) VCF-style: chrX-133119380-C-A.
Other names: c.97G>T, p.Ala33Ser (NM_001164617.2, NM_001164618.2, NM_001164619.2); short protein forms A33S.
Identifiers: ClinVar variation 1517134 (VCV001517134.8), dbSNP rs2124655722, ClinGen allele CA414707047.
Genomic context (GRCh38, chrX:133,985,353, plus strand): 5'-GCACCCACTTGAGTCCGGGCTGCAGTCTCTGGAAGAAGGAGCGGACTTGGTGACAGGTGG[C>A]GTCCGGCGGCGGCGGCGGGGGCTGCGCCTGTCCCGGGAAGTCCAAGCTGAGCAGCATCGC-3'
Protein context (NP_004475.1, residues 23-43): QAQPPPPPPD[Ala33Ser]TCHQVRSFFQ

ClinVar aggregate classification (germline): Uncertain significance (1 of 4 stars; one submission).

Conditions:
Wilms tumor 1 (WT1). Also called: Wilms tumor, somatic. Identifiers: Orphanet 654, MedGen CN033288, MONDO:0008679, OMIM 194070.

Submission:

Labcorp Genetics (formerly Invitae), Labcorp
Classification: Uncertain significance for Wilms tumor 1. Last evaluated: 2022-07-18. Review status: criteria provided, single submitter. Criteria: Invitae Variant Classification Sherloc (09022015). Collection method: clinical testing. Allele origin: germline.
Comment: In summary, the available evidence is currently insufficient to determine the role of this variant in disease. Therefore, it has been classified as a Variant of Uncertain Significance. Algorithms developed to predict the effect of missense changes on protein structure and function are either unavailable or do not agree on the potential impact of this missense change (SIFT: "Tolerated"; PolyPhen-2: "Probably Damaging"; Align-GVGD: "Class C0"). ClinVar contains an entry for this variant (Variation ID: 1517134). This variant has not been reported in the literature in individuals affected with GPC3-related conditions. This variant is not present in population databases (gnomAD no frequency). This sequence change replaces alanine, which is neutral and non-polar, with serine, which is neutral and polar, at codon 33 of the GPC3 protein (p.Ala33Ser).